The following is an entry in ClinVar:

ClinVar aggregate classification (germline): Benign. Review status: criteria provided, multiple submitters, no conflicts (2 of 4 stars). 2 submissions from 2 submitters: Benign (2). Last evaluated 2018-01-13.

Conditions:
Metachromatic leukodystrophy (MLD). Also called: ARSA DEFICIENCY; CEREBROSIDE SULFATASE DEFICIENCY; METACHROMATIC LEUKOENCEPHALOPATHY; SULFATIDE LIPIDOSIS; Cerebral sclerosis diffuse metachromatic form; Arylsulfatase A Deficiency. Identifiers: Orphanet 512, MedGen C0023522, MONDO:0018868, OMIM 250100.

Allele frequency attached by ClinVar (database versions not stated): 1000 Genomes Project 30x 0.02998; 1000 Genomes Project 0.03055; TOPMed 0.03986; gnomAD 0.04307 and 0.04494.

Submissions (2):

Illumina Laboratory Services, Illumina
Classification: Benign for Metachromatic leukodystrophy. Last evaluated: 2018-01-13. Review status: criteria provided, single submitter. Criteria: ICSL Variant Classification Criteria 13 December 2019. Collection method: clinical testing. Allele origin: germline.
Comment: This variant was observed in the ICSL laboratory as part of a predisposition screen in an ostensibly healthy population. It had not been previously curated by ICSL or reported in the Human Gene Mutation Database (HGMD: prior to June 1st, 2018), and was therefore a candidate for classification through an automated scoring system. Utilizing variant allele frequency, disease prevalence and penetrance estimates, and inheritance mode, an automated score was calculated to assess if this variant is too frequent to cause the disease. Based on the score and internal cut-off values, a variant classified as benign is not then subjected to further curation. The score for this variant resulted in a classification of benign for this disease.

Breakthrough Genomics
Classification: Benign. Review status: criteria provided, single submitter. Criteria: ACMG Guidelines, 2015. Collection method: not provided. Allele origin: germline. Inheritance: Autosomal recessive inheritance. Affected: yes.

NM_000487.6(ARSA):c.*1746G>A

Gene: ARSA (arylsulfatase A; minus strand). Cytogenetic location: 22q13.33.
Variant type: single nucleotide variant.
Coding change: c.*1746G>A on transcript NM_000487.6 (MANE Select); 1746 bases downstream of the stop codon, G replaced by A.
Molecular consequence: 3 prime UTR variant.
Genome position (GRCh38, 1-based): chr22:50,623,399, C>T on the plus strand (G>A on the coding strand, the complement: ARSA is on the minus strand). VCF-style: chr22-50623399-C-T. GRCh37 (hg19) VCF-style: chr22-51061827-C-T.
Other names: c.*1746G>A (NM_001085425.3, NM_001085426.3, NM_001085427.3 and 2 more transcripts).
Identifiers: ClinVar variation 342192 (VCV000342192.6), dbSNP rs73172277, ClinGen allele CA10651534.
Genomic context (GRCh38, chr22:50,623,399, plus strand): 5'-GAGGCCTCAAGGGCAAACTGGGTCACTGTAAGGGGTTTGGATTTTCTTCTGAGAAGCCTG[C>T]GAAATTTTGAGCAGGAATAGATGCTCAAGCCCAGCCTGATGTTTTATTTGTTTATTTGCA-3'